The following is an entry in ClinVar:

ClinVar aggregate classification (germline): Uncertain significance. Review status: criteria provided, single submitter (1 of 4 stars). 2 submissions from 2 submitters: Uncertain significance (1). 1 of the submissions does not count toward it. Last evaluated 2025-10-23.

Conditions:
SEMA3G-related disorder. Also called: SEMA3G-related condition.

Allele frequency attached by ClinVar (database versions not stated): ESP Exome Variant Server 0.00015; ExAC 0.00001; gnomAD 0.00013; TOPMed 0.00014.
gnomAD v4.1: 47 of 1,613,090 alleles (0.0029%); highest among the groups gnomAD compares: Middle Eastern, 0.049%; 1 homozygote.

Submissions (2):

Ambry Genetics
Classification: Uncertain significance. Last evaluated: 2025-10-23. Review status: criteria provided, single submitter. Criteria: Ambry Variant Classification Scheme 2023. Collection method: clinical testing. Allele origin: germline.

PreventionGenetics, part of Exact Sciences
Classification: Uncertain significance for SEMA3G-related condition. Last evaluated: 2024-06-19. Review status: no assertion criteria provided. Collection method: clinical testing. Allele origin: germline. Not counted in ClinVar's aggregate classification.
Comment: The SEMA3G c.1838G>A variant is predicted to result in the amino acid substitution p.Arg613His. To our knowledge, this variant has not been reported in the literature. This variant is reported in 0.020% of alleles in individuals of African descent in gnomAD. At this time, the clinical significance of this variant is uncertain due to the absence of conclusive functional and genetic evidence.

NM_020163.3(SEMA3G):c.1838G>A (p.Arg613His)

Gene: SEMA3G (semaphorin 3G; minus strand). Cytogenetic location: 3p21.1.
Variant type: single nucleotide variant.
Coding change: c.1838G>A on transcript NM_020163.3 (MANE Select); coding-DNA position 1838, G replaced by A.
Protein change: p.Arg613His; replaces arginine 613 with histidine.
Molecular consequence: missense variant.
Genome position (GRCh38, 1-based): chr3:52,437,567, C>T on the plus strand (G>A on the coding strand, the complement: SEMA3G is on the minus strand). VCF-style: chr3-52437567-C-T. GRCh37 (hg19) VCF-style: chr3-52471583-C-T.
Other names: c.1838G>A (NM_020163.2); short protein forms R613H.
Identifiers: ClinVar variation 2321952 (VCV002321952.5), dbSNP rs143226053, ClinGen allele CA2437811.